The following is an entry in ClinVar:

ClinVar aggregate classification (germline): Uncertain significance. Review status: criteria provided, multiple submitters, no conflicts (2 of 4 stars). 2 submissions from 2 submitters: Uncertain significance (2). Last evaluated 2026-03-12.

Conditions:
Hereditary cancer-predisposing syndrome. Also called: Neoplastic Syndromes, Hereditary; Tumor predisposition; Hereditary Cancer Syndrome; Hereditary neoplastic syndrome. Identifiers: Orphanet 140162, MedGen C0027672, MeSH D009386, MONDO:0015356.
Birt-Hogg-Dube syndrome. Also called: Birt Hogg Dubé syndrome. Identifiers: Orphanet 122, MedGen C0346010, MONDO:0800444.

Submissions (2):

Ambry Genetics
Classification: Uncertain significance for Hereditary cancer-predisposing syndrome. Last evaluated: 2026-03-12. Review status: criteria provided, single submitter. Criteria: Ambry Variant Classification Scheme 2023. Collection method: clinical testing. Allele origin: germline.
Comment: The p.V478E variant (also known as c.1433T>A) is located in coding exon 10 of the FLCN gene. The valine at codon 478 is replaced by glutamic acid, an amino acid with dissimilar properties. This change occurs in the first base pair of coding exon 10. This amino acid position is conserved. In addition, the in silico prediction for this alteration is inconclusive. Based on the available evidence, the clinical significance of this variant remains unclear.

Labcorp Genetics (formerly Invitae), Labcorp
Classification: Uncertain significance for Birt-Hogg-Dube syndrome. Last evaluated: 2022-03-13. Review status: criteria provided, single submitter. Criteria: Invitae Variant Classification Sherloc (09022015). Collection method: clinical testing. Allele origin: germline.
Comment: This sequence change replaces valine, which is neutral and non-polar, with glutamic acid, which is acidic and polar, at codon 478 of the FLCN protein (p.Val478Glu). This variant is not present in population databases (gnomAD no frequency). This variant has not been reported in the literature in individuals affected with FLCN-related conditions. Algorithms developed to predict the effect of missense changes on protein structure and function (SIFT, PolyPhen-2, Align-GVGD) all suggest that this variant is likely to be tolerated. In summary, the available evidence is currently insufficient to determine the role of this variant in disease. Therefore, it has been classified as a Variant of Uncertain Significance.

NM_144997.7(FLCN):c.1433T>A (p.Val478Glu)

Gene: FLCN (folliculin; minus strand). Cytogenetic location: 17p11.2.
Variant type: single nucleotide variant.
Coding change: c.1433T>A on transcript NM_144997.7 (MANE Select); coding-DNA position 1433, T replaced by A.
Protein change: p.Val478Glu; replaces valine 478 with glutamic acid.
Molecular consequence: missense variant.
Genome position (GRCh38, 1-based): chr17:17,215,090, A>T on the plus strand (T>A on the coding strand, the complement: FLCN is on the minus strand). VCF-style: chr17-17215090-A-T. GRCh37 (hg19) VCF-style: chr17-17118404-A-T.
Other names: c.1487T>A, p.Val496Glu (NM_001353229.2); c.1433T>A, p.Val478Glu (NM_001353230.2, NM_001353231.2); short protein forms V478E, V496E.
Identifiers: ClinVar variation 1955297 (VCV001955297.6), dbSNP rs2544142993, ClinGen allele CA398531032.